The following is an entry in ClinVar:

ClinVar aggregate classification (germline): Likely benign. Review status: criteria provided, multiple submitters, no conflicts (2 of 4 stars). 4 submissions from 4 submitters: Likely benign (4). Last evaluated 2026-04-04.

Conditions:
ETV6-related disorder. Also called: ETV6-related condition.
Inborn genetic diseases. Identifiers: MedGen C0950123, MeSH D030342.

gnomAD v4.1: 6 of 1,613,772 alleles (0.00037%); highest among the groups gnomAD compares: Non-Finnish European, 0.00042%; no homozygotes.

Submissions (4):

PreventionGenetics, part of Exact Sciences
Classification: Likely benign for ETV6-related condition. Last evaluated: 2026-04-04. Review status: criteria provided, single submitter. Criteria: ACMG Guidelines, 2015. Collection method: clinical testing. Allele origin: germline.
Comment: This variant is classified as likely benign based on ACMG/AMP sequence variant interpretation guidelines (Richards et al. 2015 PMID: 25741868, with internal and published modifications).

Ambry Genetics
Classification: Likely benign for Inborn genetic diseases. Last evaluated: 2025-02-08. Review status: criteria provided, single submitter. Criteria: Ambry Variant Classification Scheme 2023. Collection method: clinical testing. Allele origin: germline.

Labcorp Genetics (formerly Invitae), Labcorp
Classification: Likely benign. Last evaluated: 2024-06-25. Review status: criteria provided, single submitter. Criteria: Invitae Variant Classification Sherloc (09022015). Collection method: clinical testing. Allele origin: germline.

Blueprint Genetics
Classification: Likely benign. Last evaluated: 2024-04-11. Review status: criteria provided, single submitter. Criteria: ACMG Guidelines, 2015. Collection method: clinical testing. Allele origin: germline.

NM_001987.5(ETV6):c.1287C>A (p.Gly429=)

Gene: ETV6 (ETS variant transcription factor 6; plus strand). Cytogenetic location: 12p13.2.
Variant type: single nucleotide variant.
Coding change: c.1287C>A on transcript NM_001987.5 (MANE Select); coding-DNA position 1287, C replaced by A.
Protein change: p.Gly429=; no amino-acid change (glycine 429 retained).
Molecular consequence: synonymous variant. On other transcripts: 3 prime UTR variant (1).
Genome position (GRCh38, 1-based): chr12:11,890,974, C>A. VCF-style: chr12-11890974-C-A. GRCh37 (hg19) VCF-style: chr12-12043908-C-A.
Other names: c.1260C>A, p.Gly420= (NM_001413914.1); c.1023C>A, p.Gly341= (NM_001413915.1); c.*26C>A (NM_001413917.1); c.1284C>A, p.Gly428= (NM_001413913.1).
Identifiers: ClinVar variation 3626051 (VCV003626051.5).